The following is an entry in ClinVar:

ClinVar aggregate classification (germline): Uncertain significance (1 of 4 stars; one submission).

gnomAD v4.1: 7 of 1,614,168 alleles (0.00043%); highest among the groups gnomAD compares: Middle Eastern, 0.016%; no homozygotes.

Submission:

Labcorp Genetics (formerly Invitae), Labcorp
Classification: Uncertain significance. Last evaluated: 2024-06-20. Review status: criteria provided, single submitter. Criteria: Invitae Variant Classification Sherloc (09022015). Collection method: clinical testing. Allele origin: germline.
Comment: This sequence change replaces valine, which is neutral and non-polar, with methionine, which is neutral and non-polar, at codon 109 of the AAGAB protein (p.Val109Met). This variant is not present in population databases (gnomAD no frequency). This variant has not been reported in the literature in individuals affected with AAGAB-related conditions. An algorithm developed to predict the effect of missense changes on protein structure and function (PolyPhen-2) suggests that this variant is likely to be disruptive. In summary, the available evidence is currently insufficient to determine the role of this variant in disease. Therefore, it has been classified as a Variant of Uncertain Significance.

NM_024666.5(AAGAB):c.325G>A (p.Val109Met)

Gene: AAGAB (alpha and gamma adaptin binding protein; minus strand). Cytogenetic location: 15q23.
Variant type: single nucleotide variant.
Coding change: c.325G>A on transcript NM_024666.5 (MANE Select); coding-DNA position 325, G replaced by A.
Protein change: p.Val109Met; replaces valine 109 with methionine.
Molecular consequence: missense variant. On other transcripts: 5 prime UTR variant (2).
Genome position (GRCh38, 1-based): chr15:67,236,444, C>T on the plus strand (G>A on the coding strand, the complement: AAGAB is on the minus strand). VCF-style: chr15-67236444-C-T. GRCh37 (hg19) VCF-style: chr15-67528782-C-T.
Other names: c.-3G>A (NM_001271885.2, NM_001271886.2); short protein forms V109M.
Identifiers: ClinVar variation 3615845 (VCV003615845.2).